The following is an entry in ClinVar:

ClinVar aggregate classification (germline): Uncertain significance (1 of 4 stars; one submission).

Conditions:
Primary ciliary dyskinesia. Also called: Ciliary dyskinesia. Identifiers: Orphanet 244, MedGen C0008780, MONDO:0016575, HP:0012265.

Allele frequency attached by ClinVar (database versions not stated): gnomAD exomes below 0.00001.
gnomAD v4.1: 1 of 1,614,244 alleles (0.000062%); highest among the groups gnomAD compares: East Asian, 0.0022%; no homozygotes.

Submission:

Labcorp Genetics (formerly Invitae), Labcorp
Classification: Uncertain significance for Primary ciliary dyskinesia. Last evaluated: 2022-02-18. Review status: criteria provided, single submitter. Criteria: Invitae Variant Classification Sherloc (09022015). Collection method: clinical testing. Allele origin: germline.
Comment: In summary, the available evidence is currently insufficient to determine the role of this variant in disease. Therefore, it has been classified as a Variant of Uncertain Significance. Algorithms developed to predict the effect of missense changes on protein structure and function output the following: SIFT: "Deleterious"; PolyPhen-2: "Benign"; Align-GVGD: "Class C0". The serine amino acid residue is found in multiple mammalian species, which suggests that this missense change does not adversely affect protein function. This variant has not been reported in the literature in individuals affected with CCDC103-related conditions. This variant is not present in population databases (gnomAD no frequency). This sequence change replaces alanine, which is neutral and non-polar, with serine, which is neutral and polar, at codon 150 of the CCDC103 protein (p.Ala150Ser).

NM_213607.3(DNAAF19):c.448G>T (p.Ala150Ser)

Gene: DNAAF19 (dynein axonemal assembly factor 19; plus strand). Cytogenetic location: 17q21.31.
Variant type: single nucleotide variant.
Coding change: c.448G>T on transcript NM_213607.3 (MANE Select); coding-DNA position 448, G replaced by T.
Protein change: p.Ala150Ser; replaces alanine 150 with serine.
Molecular consequence: missense variant. On other transcripts: 3 prime UTR variant (3).
Genome position (GRCh38, 1-based): chr17:44,902,536, G>T. VCF-style: chr17-44902536-G-T. GRCh37 (hg19) VCF-style: chr17-42979904-G-T.
Other names: c.448G>T, p.Ala150Ser (NM_001258395.2, NM_001258396.2); c.*198G>T (NM_001258397.3); c.*137G>T (NM_001258398.3, NM_001258399.2); short protein forms A150S.
Identifiers: ClinVar variation 2098683 (VCV002098683.3), dbSNP rs2508900661, ClinGen allele CA399829221.